The following is an entry in ClinVar:

NM_005228.5(EGFR):c.1954G>A (p.Gly652Arg)

Gene: EGFR (epidermal growth factor receptor; plus strand). Cytogenetic location: 7p11.2.
Variant type: single nucleotide variant.
Coding change: c.1954G>A on transcript NM_005228.5 (MANE Select); coding-DNA position 1954, G replaced by A.
Protein change: p.Gly652Arg; replaces glycine 652 with arginine.
Molecular consequence: missense variant.
Genome position (GRCh38, 1-based): chr7:55,173,017, G>A. VCF-style: chr7-55173017-G-A. GRCh37 (hg19) VCF-style: chr7-55240710-G-A.
Other names: c.1819G>A, p.Gly607Arg (NM_001346897.2, NM_001346899.2); c.1954G>A, p.Gly652Arg (NM_001346898.2); c.1795G>A, p.Gly599Arg (NM_001346900.2); c.1153G>A, p.Gly385Arg (NM_001346941.2); short protein forms G607R, G385R, G599R, G652R.
Identifiers: ClinVar variation 2890005 (VCV002890005.4), dbSNP rs1786423974, ClinGen allele CA367582967.

ClinVar aggregate classification (germline): Uncertain significance. Review status: criteria provided, multiple submitters, no conflicts (2 of 4 stars). 2 submissions from 2 submitters: Uncertain significance (2). Last evaluated 2025-12-19.

Conditions:
Hereditary cancer-predisposing syndrome. Also called: Tumor predisposition; Neoplastic Syndromes, Hereditary; Hereditary Cancer Syndrome; Hereditary neoplastic syndrome. Identifiers: Orphanet 140162, MedGen C0027672, MeSH D009386, MONDO:0015356.
EGFR-related lung cancer (EGFR). Identifiers: MedGen CN130014.

Allele frequency attached by ClinVar (database versions not stated): gnomAD exomes below 0.00001; TOPMed below 0.00001; gnomAD 0.00001.
gnomAD v4.1: 3 of 1,614,022 alleles (0.00019%); highest among the groups gnomAD compares: African/African-American, 0.0027%; no homozygotes.

Submissions (2):

Ambry Genetics
Classification: Uncertain significance for Hereditary cancer-predisposing syndrome. Last evaluated: 2025-12-19. Review status: criteria provided, single submitter. Criteria: Ambry Variant Classification Scheme 2023. Collection method: clinical testing. Allele origin: germline.
Comment: The p.G652R variant (also known as c.1954G>A), located in coding exon 17 of the EGFR gene, results from a G to A substitution at nucleotide position 1954. The glycine at codon 652 is replaced by arginine, an amino acid with dissimilar properties. This amino acid position is highly conserved in available vertebrate species. In addition, this alteration is predicted to be deleterious by in silico analysis. Based on the available evidence, the clinical significance of this variant remains unclear.

Labcorp Genetics (formerly Invitae), Labcorp
Classification: Uncertain significance for EGFR-related lung cancer. Last evaluated: 2025-09-19. Review status: criteria provided, single submitter. Criteria: Invitae Variant Classification Sherloc (09022015). Collection method: clinical testing. Allele origin: germline.
Comment: This sequence change replaces glycine, which is neutral and non-polar, with arginine, which is basic and polar, at codon 652 of the EGFR protein (p.Gly652Arg). This variant is not present in population databases (gnomAD no frequency). This variant has not been reported in the literature in individuals affected with EGFR-related conditions. ClinVar contains an entry for this variant (Variation ID: 2890005). Invitae Evidence Modeling of protein sequence and biophysical properties (such as structural, functional, and spatial information, amino acid conservation, physicochemical variation, residue mobility, and thermodynamic stability) indicates that this missense variant is not expected to disrupt EGFR protein function with a negative predictive value of 80%. In summary, the available evidence is currently insufficient to determine the role of this variant in disease. Therefore, it has been classified as a Variant of Uncertain Significance.